The following is an entry in ClinVar:

NM_014639.4(SKIC3):c.1250C>T (p.Pro417Leu)

Gene: SKIC3 (SKI3 subunit of superkiller complex; minus strand). Cytogenetic location: 5q15.
Variant type: single nucleotide variant.
Coding change: c.1250C>T on transcript NM_014639.4 (MANE Select); coding-DNA position 1250, C replaced by T.
Protein change: p.Pro417Leu; replaces proline 417 with leucine.
Molecular consequence: missense variant.
Genome position (GRCh38, 1-based): chr5:95,525,473, G>A on the plus strand (C>T on the coding strand, the complement: SKIC3 is on the minus strand). VCF-style: chr5-95525473-G-A. GRCh37 (hg19) VCF-style: chr5-94861177-G-A.
Other names: short protein forms P417L.
Identifiers: ClinVar variation 1475645 (VCV001475645.8), dbSNP rs1328395018, ClinGen allele CA360464719.
Genomic context (GRCh38, chr5:95,525,473, plus strand): 5'-AGATAGTCCTTTTTGGTGAAATGAATCAAAGCCTCAAGGGCATGAACTTCAGCTAGGTCA[G>A]GGTAAGAAGAGAGAAGGTCTTCCATAATCTATAAAGTAGACACCTGTCAATTCTATAGCC-3'
Protein context (NP_055454.1, residues 407-427): KIMEDLLSSY[Pro417Leu]DLAEVHALEA

ClinVar aggregate classification (germline): Uncertain significance (1 of 4 stars; one submission).

Submission:

Labcorp Genetics (formerly Invitae), Labcorp
Classification: Uncertain significance. Last evaluated: 2022-03-02. Review status: criteria provided, single submitter. Criteria: Invitae Variant Classification Sherloc (09022015). Collection method: clinical testing. Allele origin: germline.
Comment: In summary, the available evidence is currently insufficient to determine the role of this variant in disease. Therefore, it has been classified as a Variant of Uncertain Significance. Algorithms developed to predict the effect of missense changes on protein structure and function (SIFT, PolyPhen-2, Align-GVGD) all suggest that this variant is likely to be tolerated. This variant has not been reported in the literature in individuals affected with TTC37-related conditions. This sequence change replaces proline, which is neutral and non-polar, with leucine, which is neutral and non-polar, at codon 417 of the TTC37 protein (p.Pro417Leu). This variant is not present in population databases (gnomAD no frequency).